The following is an entry in ClinVar:

ClinVar aggregate classification (germline): Uncertain significance (1 of 4 stars; one submission).

Conditions:
Autosomal dominant hypocalcemia 1 (HYPOC1). Also called: HYPOCALCEMIA, FAMILIAL. Identifiers: MedGen C3715128, MONDO:0011013, OMIM 601198.
Familial hypocalciuric hypercalcemia (FHH). Also called: Familial benign hypercalcemia. Identifiers: Orphanet 405, MedGen C1809471, MONDO:0018458.

Submission:

Labcorp Genetics (formerly Invitae), Labcorp
Classification: Uncertain significance for Familial hypocalciuric hypercalcemia; Autosomal dominant hypocalcemia 1. Last evaluated: 2024-12-17. Review status: criteria provided, single submitter. Criteria: Invitae Variant Classification Sherloc (09022015). Collection method: clinical testing. Allele origin: germline.
Comment: This sequence change replaces histidine, which is basic and polar, with tyrosine, which is neutral and polar, at codon 879 of the CASR protein (p.His879Tyr). This variant is not present in population databases (gnomAD no frequency). This variant has not been reported in the literature in individuals affected with CASR-related conditions. An algorithm developed to predict the effect of missense changes on protein structure and function (PolyPhen-2) suggests that this variant is likely to be disruptive. In summary, the available evidence is currently insufficient to determine the role of this variant in disease. Therefore, it has been classified as a Variant of Uncertain Significance.

NM_000388.4(CASR):c.2635C>T (p.His879Tyr)

Gene: CASR (calcium sensing receptor; plus strand). Cytogenetic location: 3q21.1.
Variant type: single nucleotide variant.
Coding change: c.2635C>T on transcript NM_000388.4 (MANE Select); coding-DNA position 2635, C replaced by T.
Protein change: p.His879Tyr; replaces histidine 879 with tyrosine.
Molecular consequence: missense variant.
Genome position (GRCh38, 1-based): chr3:122,284,589, C>T. VCF-style: chr3-122284589-C-T. GRCh37 (hg19) VCF-style: chr3-122003436-C-T.
Other names: c.2665C>T, p.His889Tyr (NM_001178065.2); short protein forms H879Y, H889Y.
Identifiers: ClinVar variation 3760090 (VCV003760090.2).